The following is an entry in ClinVar:

ClinVar aggregate classification (germline): Likely benign. Review status: criteria provided, multiple submitters, no conflicts (2 of 4 stars). 3 submissions from 3 submitters: Likely benign (3). Last evaluated 2025-09-02.

Conditions:
Developmental and epileptic encephalopathy, 34 (DEE34). Also called: Early infantile epileptic encephalopathy 34; SLC12A5-Related Epilepsy of Infancy with Migrating Focal Seizures. Identifiers: Orphanet 293181, MedGen C4225257, MONDO:0014718, OMIM 616645.

Allele frequency attached by ClinVar (database versions not stated): gnomAD 0.00001; gnomAD exomes 0.00002 and 0.00006; TOPMed 0.00002; ExAC 0.00003.
gnomAD v4.1: 34 of 1,614,034 alleles (0.0021%); highest among the groups gnomAD compares: Middle Eastern, 0.016%; no homozygotes.

Submissions (3):

Labcorp Genetics (formerly Invitae), Labcorp
Classification: Likely benign for Developmental and epileptic encephalopathy, 34. Last evaluated: 2025-09-02. Review status: criteria provided, single submitter. Criteria: Invitae Variant Classification Sherloc (09022015). Collection method: clinical testing. Allele origin: germline.

Ambry Genetics
Classification: Likely benign. Last evaluated: 2025-01-11. Review status: criteria provided, single submitter. Criteria: Ambry Variant Classification Scheme 2023. Collection method: clinical testing. Allele origin: germline.

CeGaT Center for Human Genetics Tuebingen
Classification: Likely benign. Last evaluated: 2022-10-01. Review status: criteria provided, single submitter. Criteria: CeGaT Center For Human Genetics Tuebingen Variant Classification Criteria Version 2. Collection method: clinical testing. Allele origin: germline. Affected: yes. Observed: 1 variant allele.
Comment: SLC12A5: BP4, BP7

NM_020708.5(SLC12A5):c.1740G>A (p.Thr580=)

Gene: SLC12A5 (solute carrier family 12 member 5; plus strand). Cytogenetic location: 20q13.12.
Variant type: single nucleotide variant.
Coding change: c.1740G>A on transcript NM_020708.5 (MANE Select); coding-DNA position 1740, G replaced by A.
Protein change: p.Thr580=; no amino-acid change (threonine 580 retained).
Molecular consequence: synonymous variant.
Genome position (GRCh38, 1-based): chr20:46,046,389, G>A. VCF-style: chr20-46046389-G-A. GRCh37 (hg19) VCF-style: chr20-44675028-G-A.
Other names: c.1809G>A, p.Thr603= (NM_001134771.2); c.1809G>A (NM_001134771.1).
Identifiers: ClinVar variation 783170 (VCV000783170.34), dbSNP rs200135706, ClinGen allele CA9887419.